The following is an entry in ClinVar:

NM_004329.3(BMPR1A):c.142G>A (p.Val48Ile)

Gene: BMPR1A (bone morphogenetic protein receptor type 1A; plus strand). Cytogenetic location: 10q23.2.
Variant type: single nucleotide variant.
Coding change: c.142G>A on transcript NM_004329.3 (MANE Select); coding-DNA position 142, G replaced by A.
Protein change: p.Val48Ile; replaces valine 48 with isoleucine.
Molecular consequence: missense variant.
Genome position (GRCh38, 1-based): chr10:86,890,136, G>A. VCF-style: chr10-86890136-G-A. GRCh37 (hg19) VCF-style: chr10-88649893-G-A.
Other names: c.142G>A, p.Val48Ile (NM_001406559.1, NM_001406560.1, NM_001406561.1 and 23 more transcripts); c.58G>A, p.Val20Ile (NM_001406584.1, NM_001406585.1, NM_001406586.1 and 2 more transcripts); short protein forms V48I, V20I.
Identifiers: ClinVar variation 1772471 (VCV001772471.13), dbSNP rs775188308, ClinGen allele CA5585438.

ClinVar aggregate classification (germline): Uncertain significance. Review status: criteria provided, multiple submitters, no conflicts (2 of 4 stars). 4 submissions from 4 submitters: Uncertain significance (4). Last evaluated 2025-07-09.

Conditions:
Polyposis syndrome, hereditary mixed, 2. Identifiers: Orphanet 157794, MedGen C1864730, MONDO:0012405, OMIM 610069.
Juvenile polyposis syndrome (JPS). Identifiers: Orphanet 2929, MedGen C0345893, MONDO:0017380, OMIM 174900.
Hereditary cancer-predisposing syndrome. Also called: Tumor predisposition; Neoplastic Syndromes, Hereditary; Hereditary Cancer Syndrome; Hereditary neoplastic syndrome. Identifiers: Orphanet 140162, MedGen C0027672, MeSH D009386, MONDO:0015356.

Allele frequency attached by ClinVar (database versions not stated): gnomAD exomes below 0.00001; ExAC 0.00001; gnomAD 0.00001; TOPMed 0.00001.
gnomAD v4.1: 2 of 1,613,994 alleles (0.00012%); highest among the groups gnomAD compares: African/African-American, 0.0027%; no homozygotes.

Submissions (4):

Labcorp Genetics (formerly Invitae), Labcorp
Classification: Uncertain significance for Juvenile polyposis syndrome. Last evaluated: 2025-07-09. Review status: criteria provided, single submitter. Criteria: Invitae Variant Classification Sherloc (09022015). Collection method: clinical testing. Allele origin: germline.
Comment: This sequence change replaces valine, which is neutral and non-polar, with isoleucine, which is neutral and non-polar, at codon 48 of the BMPR1A protein (p.Val48Ile). This variant is present in population databases (rs775188308, gnomAD 0.007%). This variant has not been reported in the literature in individuals affected with BMPR1A-related conditions. ClinVar contains an entry for this variant (Variation ID: 1772471). Invitae Evidence Modeling of protein sequence and biophysical properties (such as structural, functional, and spatial information, amino acid conservation, physicochemical variation, residue mobility, and thermodynamic stability) indicates that this missense variant is not expected to disrupt BMPR1A protein function with a negative predictive value of 95%. In summary, the available evidence is currently insufficient to determine the role of this variant in disease. Therefore, it has been classified as a Variant of Uncertain Significance.

Ambry Genetics
Classification: Uncertain significance for Hereditary cancer-predisposing syndrome. Last evaluated: 2024-05-20. Review status: criteria provided, single submitter. Criteria: Ambry Variant Classification Scheme 2023. Collection method: clinical testing. Allele origin: germline.
Comment: The p.V48I variant (also known as c.142G>A), located in coding exon 2 of the BMPR1A gene, results from a G to A substitution at nucleotide position 142. The valine at codon 48 is replaced by isoleucine, an amino acid with highly similar properties. This amino acid position is not well conserved in available vertebrate species. In addition, this alteration is predicted to be tolerated by in silico analysis. Based on the available evidence, the clinical significance of this variant remains unclear.

Baylor Genetics
Classification: Uncertain significance for Polyposis syndrome, hereditary mixed, 2. Last evaluated: 2023-09-06. Review status: criteria provided, single submitter. Criteria: ACMG Guidelines, 2015. Collection method: clinical testing. Allele origin: unknown.

Revvity Omics, Revvity
Classification: Uncertain significance. Last evaluated: 2020-03-17. Review status: criteria provided, single submitter. Criteria: ACMG Guidelines, 2015. Collection method: clinical testing. Allele origin: germline.